The following is an entry in ClinVar:

NM_004655.4(AXIN2):c.707G>C (p.Cys236Ser)

Gene: AXIN2 (axin 2; minus strand). Cytogenetic location: 17q24.1.
Variant type: single nucleotide variant.
Coding change: c.707G>C on transcript NM_004655.4 (MANE Select); coding-DNA position 707, G replaced by C.
Protein change: p.Cys236Ser; replaces cysteine 236 with serine.
Molecular consequence: missense variant.
Genome position (GRCh38, 1-based): chr17:65,557,914, C>G on the plus strand (G>C on the coding strand, the complement: AXIN2 is on the minus strand). VCF-style: chr17-65557914-C-G. GRCh37 (hg19) VCF-style: chr17-63554032-C-G.
Other names: c.707G>C, p.Cys236Ser (NM_001363813.1); short protein forms C236S.
Identifiers: ClinVar variation 4187428 (VCV004187428.1).
Genomic context (GRCh38, chr17:65,557,914, plus strand): 5'-CTCAGAGTTTTGCTGGACAAGCCAACCACGGTTGGCGAAAGTTTGCACTTGAAGTCGGCA[C>G]AAGTCCACTCCTCTTCTTCATTCAAGGTGGGGAGATAGCCACACACGACCTTTAGGCTCC-3'
Protein context (NP_004646.3, residues 226-246): PTLNEEEEWT[Cys236Ser]ADFKCKLSPT

ClinVar aggregate classification (germline): Uncertain significance (1 of 4 stars; one submission).

Conditions:
Hereditary cancer-predisposing syndrome. Also called: Neoplastic Syndromes, Hereditary; Tumor predisposition; Hereditary Cancer Syndrome; Hereditary neoplastic syndrome. Identifiers: Orphanet 140162, MedGen C0027672, MeSH D009386, MONDO:0015356.

Submission:

Ambry Genetics
Classification: Uncertain significance for Hereditary cancer-predisposing syndrome. Last evaluated: 2025-07-17. Review status: criteria provided, single submitter. Criteria: Ambry Variant Classification Scheme 2023. Collection method: clinical testing. Allele origin: germline.
Comment: The p.C236S variant (also known as c.707G>C), located in coding exon 1 of the AXIN2 gene, results from a G to C substitution at nucleotide position 707. The cysteine at codon 236 is replaced by serine, an amino acid with dissimilar properties. This amino acid position is conserved. In addition, this alteration is predicted to be deleterious by in silico analysis. Based on the available evidence, the clinical significance of this variant remains unclear.